The following is an entry in ClinVar:

NM_000130.5(F5):c.3740C>T (p.Thr1247Ile)

Gene: F5 (coagulation factor V; minus strand). Cytogenetic location: 1q24.2.
Variant type: single nucleotide variant.
Coding change: c.3740C>T on transcript NM_000130.5 (MANE Select); coding-DNA position 3740, C replaced by T.
Protein change: p.Thr1247Ile; replaces threonine 1247 with isoleucine.
Molecular consequence: missense variant.
Genome position (GRCh38, 1-based): chr1:169,541,350, G>A on the plus strand (C>T on the coding strand, the complement: F5 is on the minus strand). VCF-style: chr1-169541350-G-A. GRCh37 (hg19) VCF-style: chr1-169510588-G-A.
Other names: short protein forms T1247I.
Identifiers: ClinVar variation 4768318 (VCV004768318.1).

ClinVar aggregate classification (germline): Uncertain significance (1 of 4 stars; one submission).

Conditions:
Congenital factor V deficiency. Also called: Hereditary factor V deficiency disease; LABILE FACTOR DEFICIENCY; OWREN PARAHEMOPHILIA; PARAHEMOPHILIA. Identifiers: Orphanet 326, MedGen C0015499, MONDO:0009210, OMIM 227400.

gnomAD v4.1: 4 of 1,610,272 alleles (0.00025%); highest among the groups gnomAD compares: Non-Finnish European, 0.00034%; no homozygotes.

Submission:

Labcorp Genetics (formerly Invitae), Labcorp
Classification: Uncertain significance for Congenital factor V deficiency. Last evaluated: 2025-04-11. Review status: criteria provided, single submitter. Criteria: Invitae Variant Classification Sherloc (09022015). Collection method: clinical testing. Allele origin: germline.
Comment: This sequence change replaces threonine, which is neutral and polar, with isoleucine, which is neutral and non-polar, at codon 1247 of the F5 protein (p.Thr1247Ile). This variant is not present in population databases (gnomAD no frequency). This variant has not been reported in the literature in individuals affected with F5-related conditions. Invitae Evidence Modeling of protein sequence and biophysical properties (such as structural, functional, and spatial information, amino acid conservation, physicochemical variation, residue mobility, and thermodynamic stability) indicates that this missense variant is not expected to disrupt F5 protein function with a negative predictive value of 80%. In summary, the available evidence is currently insufficient to determine the role of this variant in disease. Therefore, it has been classified as a Variant of Uncertain Significance.